The following is an entry in ClinVar:

ClinVar aggregate classification (germline): Likely pathogenic (1 of 4 stars; one submission).

Conditions:
Complex cortical dysplasia with other brain malformations 7. Identifiers: Orphanet 300573, MedGen C3552236, MONDO:0012399, OMIM 610031.

Submission:

New York Genome Center
Classification: Likely pathogenic for Complex cortical dysplasia with other brain malformations 7. Last evaluated: 2023-02-06. Review status: criteria provided, single submitter. Criteria: NYGC Assertion Criteria 2020. Collection method: clinical testing. Allele origin: de novo. Affected: yes. Observed: 1 heterozygote. Study: PrenatalSEQ.
Comment: The de novo heterozygous c.845G>C p.(Arg282Pro) missense variant identified in the TUBB2B gene has not been reported in affected individuals in the literature. The variant is absent from population databases (gnomAD v2.1.1 and v3.1.2, TOPMed Freeze 8), suggesting it is not a common benign variant in the populations represented in those databases. The c.1739A>C variant is located in the last exon of this 4-exon gene and is predicted to replace a highly conserved arginine residue with proline at position 282 within the Tubulin C-terminal domain of the encoded protein [PMID: 32656949]. In silico predictions are in favor of the variant’s damaging effect [REVEL = 0.904]; however, functional studies to support or refute these predictions have not been reported. Based on the available evidence, de novo heterozygous c.845G>C p.(Arg282Pro) missense variant identified in the TUBB2B gene is reported as Likely Pathogenic.

NM_178012.5(TUBB2B):c.845G>C (p.Arg282Pro)

Gene: TUBB2B (tubulin beta 2B class IIb; minus strand). Cytogenetic location: 6p25.2.
Variant type: single nucleotide variant.
Coding change: c.845G>C on transcript NM_178012.5 (MANE Select); coding-DNA position 845, G replaced by C.
Protein change: p.Arg282Pro; replaces arginine 282 with proline.
Molecular consequence: missense variant.
Genome position (GRCh38, 1-based): chr6:3,225,244, C>G on the plus strand (G>C on the coding strand, the complement: TUBB2B is on the minus strand). VCF-style: chr6-3225244-C-G. GRCh37 (hg19) VCF-style: chr6-3225478-C-G.
Other names: short protein forms R282P.
Identifiers: ClinVar variation 3235893 (VCV003235893.1), dbSNP rs2533617289, ClinGen allele CA362586715.
Genomic context (GRCh38, chr6:3,225,244, plus strand): 5'-GCGGCCATCATGTTCTTGGAGTCGAACATCTGCTGGGTGAGCTCGGGCACCGTGAGCGCC[C>G]GGTACTGCTGGCTGCCCCGGCTGGTCAGGGGCGCGAAGCCGGGCATGAAGAAGTGCAGGC-3'
Protein context (NP_821080.1, residues 272-292): PLTSRGSQQY[Arg282Pro]ALTVPELTQQ